The following is an entry in ClinVar:

NM_022124.6(CDH23):c.5480G>T (p.Gly1827Val)

Gene: CDH23 (cadherin related 23; plus strand). Cytogenetic location: 10q22.1.
Variant type: single nucleotide variant.
Coding change: c.5480G>T on transcript NM_022124.6 (MANE Select); coding-DNA position 5480, G replaced by T.
Protein change: p.Gly1827Val; replaces glycine 1827 with valine.
Molecular consequence: missense variant.
Genome position (GRCh38, 1-based): chr10:71,784,398, G>T. VCF-style: chr10-71784398-G-T. GRCh37 (hg19) VCF-style: chr10-73544155-G-T.
Other names: short protein forms G1827V.
Identifiers: ClinVar variation 1715166 (VCV001715166.5), dbSNP rs866711061, ClinGen allele CA377145361.

ClinVar aggregate classification (germline): Uncertain significance (1 of 4 stars; one submission).

Allele frequency attached by ClinVar (database versions not stated): TOPMed 0.00001.
gnomAD v4.1: 5 of 1,613,692 alleles (0.00031%); highest among the groups gnomAD compares: African/African-American, 0.0053%; no homozygotes.

Submission:

Labcorp Genetics (formerly Invitae), Labcorp
Classification: Uncertain significance. Last evaluated: 2025-06-02. Review status: criteria provided, single submitter. Criteria: Invitae Variant Classification Sherloc (09022015). Collection method: clinical testing. Allele origin: germline.
Comment: This sequence change replaces glycine, which is neutral and non-polar, with valine, which is neutral and non-polar, at codon 1827 of the CDH23 protein (p.Gly1827Val). This variant is present in population databases (no rsID available, gnomAD 0.007%). This variant has not been reported in the literature in individuals affected with CDH23-related conditions. ClinVar contains an entry for this variant (Variation ID: 1715166). Invitae Evidence Modeling of protein sequence and biophysical properties (such as structural, functional, and spatial information, amino acid conservation, physicochemical variation, residue mobility, and thermodynamic stability) has been performed for this missense variant. However, the output from this modeling did not meet the statistical confidence thresholds required to predict the impact of this variant on CDH23 protein function. In summary, the available evidence is currently insufficient to determine the role of this variant in disease. Therefore, it has been classified as a Variant of Uncertain Significance.